The following is an entry in ClinVar:

NM_005751.5(AKAP9):c.6413A>G (p.Asp2138Gly)

Gene: AKAP9 (A-kinase anchoring protein 9; plus strand). Cytogenetic location: 7q21.2.
Variant type: single nucleotide variant.
Coding change: c.6413A>G on transcript NM_005751.5 (MANE Select); coding-DNA position 6413, A replaced by G.
Protein change: p.Asp2138Gly; replaces aspartic acid 2138 with glycine.
Molecular consequence: missense variant.
Genome position (GRCh38, 1-based): chr7:92,070,112, A>G. VCF-style: chr7-92070112-A-G. GRCh37 (hg19) VCF-style: chr7-91699426-A-G.
Other names: c.1058A>G, p.Asp353Gly (NM_001379277.1); c.6413A>G, p.Asp2138Gly (NM_147185.3); short protein forms D2138G, D353G.
Identifiers: ClinVar variation 1753400 (VCV001753400.2), dbSNP rs1187168017, ClinGen allele CA368134140.
Genomic context (GRCh38, chr7:92,070,112, plus strand): 5'-TGAAAGAAAAAACAGACAAATGCAGTGAGCTTTTGCTCTCTAAAGAGCAGCTTCAAAGGG[A>G]TATACAAGAAAGGAATGAAGAAATAGAGAAACTGGAGTTCAGAGTAAGAGAACTGGAGCA-3'
Protein context (NP_005742.4, residues 2128-2148): LLLSKEQLQR[Asp2138Gly]IQERNEEIEK

ClinVar aggregate classification (germline): Uncertain significance (1 of 4 stars; one submission).

Conditions:
Cardiovascular phenotype. Identifiers: MedGen CN230736.

Allele frequency attached by ClinVar (database versions not stated): gnomAD exomes 0.00001; TOPMed 0.00001.
gnomAD v4.1: 13 of 1,614,132 alleles (0.00081%); highest among the groups gnomAD compares: Non-Finnish European, 0.001%; no homozygotes.

Submission:

Ambry Genetics
Classification: Uncertain significance for Cardiovascular phenotype. Last evaluated: 2020-01-31. Review status: criteria provided, single submitter. Criteria: Ambry Variant Classification Scheme 2023. Collection method: clinical testing. Allele origin: germline.
Comment: The p.D2138G variant (also known as c.6413A>G), located in coding exon 27 of the AKAP9 gene, results from an A to G substitution at nucleotide position 6413. The aspartic acid at codon 2138 is replaced by glycine, an amino acid with similar properties. This amino acid position is well conserved in available vertebrate species. In addition, this alteration is predicted to be tolerated by in silico analysis. Since supporting evidence is limited at this time, the clinical significance of this alteration remains unclear.